The following is an entry in ClinVar:

NM_001110556.2(FLNA):c.6916G>A (p.Glu2306Lys)

Gene: FLNA (filamin A; minus strand). Cytogenetic location: Xq28.
Variant type: single nucleotide variant.
Coding change: c.6916G>A on transcript NM_001110556.2 (MANE Select); coding-DNA position 6916, G replaced by A.
Protein change: p.Glu2306Lys; replaces glutamic acid 2306 with lysine.
Molecular consequence: missense variant.
Genome position (GRCh38, 1-based): chrX:154,351,688, C>T on the plus strand (G>A on the coding strand, the complement: FLNA is on the minus strand). VCF-style: chrX-154351688-C-T. GRCh37 (hg19) VCF-style: chrX-153580056-C-T.
Other names: c.6892G>A, p.Glu2298Lys (NM_001456.4); short protein forms E2298K, E2306K.
Identifiers: ClinVar variation 645104 (VCV000645104.11), dbSNP rs1603358960, ClinGen allele CA415185980.
Genomic context (GRCh38, chrX:154,351,688, plus strand): 5'-CCACAGGCACCACGAAGGGGCTGTCGGGAATGTGTTCCTCGTTGAACTTGACTGAGACTT[C>T]GTAGTCACCTGGGCAGGGAAAGAGTGTAAGACCGGCTCATCAGCCTTTGGGCCTCCCACC-3'
Protein context (NP_001104026.1, residues 2296-2316): AYVVQEPGDY[Glu2306Lys]VSVKFNEEHI

ClinVar aggregate classification (germline): Uncertain significance (1 of 4 stars; one submission).

Conditions:
Heterotopia, periventricular, X-linked dominant (PVNH1). Also called: PERIVENTRICULAR NODULAR HETEROTOPIA 4; HETEROTOPIA, PERIVENTRICULAR, 1; PERIVENTRICULAR NODULAR HETEROTOPIA 1; X-linked periventricular heterotopia. Identifiers: Orphanet 2149, Orphanet 82004, MedGen C1848213, MONDO:0010233, OMIM 300049.
Oto-palato-digital syndrome, type II (OPD2). Also called: Otopalatodigital Syndrome, Type II; FACIOPALATOOSSEOUS SYNDROME; OPD II SYNDROME; Otopalatodigital Syndrome Type 2 (FLNA-OPD2). Identifiers: Orphanet 669, Orphanet 90652, MedGen C1844696, MONDO:0010571, OMIM 304120.
Melnick-Needles syndrome (MNS). Also called: MELNICK-NEEDLES OSTEODYSPLASTY; OSTEODYSPLASTY OF MELNICK AND NEEDLES; Melnick-Needles Syndrome (FLNA-MNS). Identifiers: Orphanet 2484, MedGen C0025237, MONDO:0010650, OMIM 309350.
Frontometaphyseal dysplasia (FMD1). Identifiers: Orphanet 1826, MedGen C0265293, MONDO:0015942.

Allele frequency attached by ClinVar (database versions not stated): gnomAD exomes below 0.00001; TOPMed below 0.00001.

Submission:

Labcorp Genetics (formerly Invitae), Labcorp
Classification: Uncertain significance for Oto-palato-digital syndrome, type II; Heterotopia, periventricular, X-linked dominant; Frontometaphyseal dysplasia; Melnick-Needles syndrome. Last evaluated: 2022-08-27. Review status: criteria provided, single submitter. Criteria: Invitae Variant Classification Sherloc (09022015). Collection method: clinical testing. Allele origin: germline.
Comment: This sequence change replaces glutamic acid, which is acidic and polar, with lysine, which is basic and polar, at codon 2298 of the FLNA protein (p.Glu2298Lys). This variant is not present in population databases (gnomAD no frequency). This variant has not been reported in the literature in individuals affected with FLNA-related conditions. ClinVar contains an entry for this variant (Variation ID: 645104). Advanced modeling of protein sequence and biophysical properties (such as structural, functional, and spatial information, amino acid conservation, physicochemical variation, residue mobility, and thermodynamic stability) performed at Invitae indicates that this missense variant is not expected to disrupt FLNA protein function. In summary, the available evidence is currently insufficient to determine the role of this variant in disease. Therefore, it has been classified as a Variant of Uncertain Significance.